The following is an entry in ClinVar:

ClinVar aggregate classification (germline): Uncertain significance (1 of 4 stars; one submission).

gnomAD v4.1: 6 of 1,614,152 alleles (0.00037%); highest among the groups gnomAD compares: East Asian, 0.0022%; no homozygotes.

Submission:

GeneDx
Classification: Uncertain significance. Last evaluated: 2026-04-15. Review status: criteria provided, single submitter. Criteria: GeneDx Variant Classification Process June 2021. Collection method: clinical testing. Allele origin: germline.
Comment: Not observed at significant frequency in large population cohorts (gnomAD); In silico analysis suggests that this missense variant does not alter protein structure/function; Has not been previously published as pathogenic or benign to our knowledge

NM_001379291.1(BRD4):c.614C>T (p.Pro205Leu)

Gene: BRD4 (bromodomain containing 4; minus strand). Cytogenetic location: 19p13.12.
Variant type: single nucleotide variant.
Coding change: c.614C>T on transcript NM_001379291.1 (MANE Select); coding-DNA position 614, C replaced by T.
Protein change: p.Pro205Leu; replaces proline 205 with leucine.
Molecular consequence: missense variant.
Genome position (GRCh38, 1-based): chr19:15,265,589, G>A on the plus strand (C>T on the coding strand, the complement: BRD4 is on the minus strand). VCF-style: chr19-15265589-G-A. GRCh37 (hg19) VCF-style: chr19-15376400-G-A.
Other names: c.614C>T, p.Pro205Leu (NM_001330384.2, NM_001379292.1, NM_014299.3 and 1 more transcripts); short protein forms P205L.
Identifiers: ClinVar variation 5037279 (VCV005037279.1).